The following is an entry in ClinVar:

NM_001193313.2(SUGCT):c.1165A>T (p.Arg389Ter)

Gene: SUGCT (succinyl-CoA:glutarate-CoA transferase; plus strand). Cytogenetic location: 7p14.1.
Variant type: single nucleotide variant.
Coding change: c.1165A>T on transcript NM_001193313.2 (MANE Select); coding-DNA position 1165, A replaced by T.
Protein change: p.Arg389Ter; replaces arginine 389 with a stop codon.
Molecular consequence: nonsense.
Genome position (GRCh38, 1-based): chr7:40,860,327, A>T. VCF-style: chr7-40860327-A-T. GRCh37 (hg19) VCF-style: chr7-40899926-A-T.
Other names: c.1243A>T, p.Arg415Ter (NM_001193311.2); c.1021A>T, p.Arg341Ter (NM_001193312.2); c.1132A>T, p.Arg378Ter (NM_024728.3); short protein forms R389*, R415*, R341*, R378*.
Identifiers: ClinVar variation 1496596 (VCV001496596.8), dbSNP rs2128809589, ClinGen allele CA367314028.

ClinVar aggregate classification (germline): Uncertain significance (1 of 4 stars; one submission).

Allele frequency attached by ClinVar (database versions not stated): gnomAD exomes below 0.00001.
gnomAD v4.1: 2 of 1,613,972 alleles (0.00012%); highest among the groups gnomAD compares: Non-Finnish European, 0.000085%; no homozygotes.

Submission:

Labcorp Genetics (formerly Invitae), Labcorp
Classification: Uncertain significance. Last evaluated: 2025-07-27. Review status: criteria provided, single submitter. Criteria: Invitae Variant Classification Sherloc (09022015). Collection method: clinical testing. Allele origin: germline.
Comment: This sequence change creates a premature translational stop signal (p.Arg385*) in the SUGCT gene. While this is not anticipated to result in nonsense mediated decay, it is expected to disrupt the last 50 amino acid(s) of the SUGCT protein. This variant is not present in population databases (gnomAD no frequency). This variant has not been reported in the literature in individuals affected with SUGCT-related conditions. ClinVar contains an entry for this variant (Variation ID: 1496596). Experimental studies and prediction algorithms are not available or were not evaluated, and the functional significance of this variant is currently unknown. In summary, the available evidence is currently insufficient to determine the role of this variant in disease. Therefore, it has been classified as a Variant of Uncertain Significance.